The following is an entry in ClinVar:

ClinVar aggregate classification (germline): Uncertain significance (1 of 4 stars; one submission).

Conditions:
Amyotrophic lateral sclerosis type 4 (ALS4). Also called: AMYOTROPHIC LATERAL SCLEROSIS 4, JUVENILE; NEURONOPATHY, DISTAL HEREDITARY MOTOR, WITH PYRAMIDAL FEATURES. Identifiers: Orphanet 357043, MedGen C1865409, MONDO:0011223, OMIM 602433.
Spinocerebellar ataxia, autosomal recessive, with axonal neuropathy 2 (SCAN2). Also called: Ataxia-ocular apraxia-2; Ataxia with Oculomotor Apraxia; Ataxia with Oculomotor Apraxia Type 2; ATAXIA-OCULOMOTOR APRAXIA 2. Identifiers: Orphanet 64753, MedGen C1853761, MONDO:0018996, OMIM 606002.

Allele frequency attached by ClinVar (database versions not stated): TOPMed 0.00001; gnomAD 0.00001; gnomAD exomes 0.00003.
gnomAD v4.1: 47 of 1,614,064 alleles (0.0029%); highest among the groups gnomAD compares: Non-Finnish European, 0.0036%; no homozygotes.

Submission:

Labcorp Genetics (formerly Invitae), Labcorp
Classification: Uncertain significance for Amyotrophic lateral sclerosis type 4; Spinocerebellar ataxia, autosomal recessive, with axonal neuropathy 2. Last evaluated: 2025-08-17. Review status: criteria provided, single submitter. Criteria: Invitae Variant Classification Sherloc (09022015). Collection method: clinical testing. Allele origin: germline.
Comment: This sequence change replaces proline, which is neutral and non-polar, with arginine, which is basic and polar, at codon 1421 of the SETX protein (p.Pro1421Arg). This variant is not present in population databases (gnomAD no frequency). This variant has not been reported in the literature in individuals affected with SETX-related conditions. ClinVar contains an entry for this variant (Variation ID: 656944). Invitae Evidence Modeling of protein sequence and biophysical properties (such as structural, functional, and spatial information, amino acid conservation, physicochemical variation, residue mobility, and thermodynamic stability) indicates that this missense variant is not expected to disrupt SETX protein function with a negative predictive value of 95%. In summary, the available evidence is currently insufficient to determine the role of this variant in disease. Therefore, it has been classified as a Variant of Uncertain Significance.

NM_015046.7(SETX):c.4262C>G (p.Pro1421Arg)

Gene: SETX (senataxin; minus strand). Cytogenetic location: 9q34.13.
Variant type: single nucleotide variant.
Coding change: c.4262C>G on transcript NM_015046.7 (MANE Select); coding-DNA position 4262, C replaced by G.
Protein change: p.Pro1421Arg; replaces proline 1421 with arginine.
Molecular consequence: missense variant.
Genome position (GRCh38, 1-based): chr9:132,327,336, G>C on the plus strand (C>G on the coding strand, the complement: SETX is on the minus strand). VCF-style: chr9-132327336-G-C. GRCh37 (hg19) VCF-style: chr9-135202723-G-C.
Other names: c.4262C>G, p.Pro1421Arg (NM_001351527.2, NM_001351528.2); short protein forms P1421R.
Identifiers: ClinVar variation 656944 (VCV000656944.9), dbSNP rs778111855, ClinGen allele CA200807172.